The following is an entry in ClinVar:

NM_153033.5(KCTD7):c.517A>C (p.Ile173Leu)

Gene: KCTD7 (potassium channel tetramerization domain containing 7; plus strand). Cytogenetic location: 7q11.21.
Variant type: single nucleotide variant.
Coding change: c.517A>C on transcript NM_153033.5 (MANE Select); coding-DNA position 517, A replaced by C.
Protein change: p.Ile173Leu; replaces isoleucine 173 with leucine.
Molecular consequence: missense variant.
Genome position (GRCh38, 1-based): chr7:66,638,879, A>C. VCF-style: chr7-66638879-A-C. GRCh37 (hg19) VCF-style: chr7-66103866-A-C.
Other names: c.517A>C, p.Ile173Leu (NM_001167961.2); short protein forms I173L.
Identifiers: ClinVar variation 2152465 (VCV002152465.1), dbSNP rs200907176, ClinGen allele CA4278283.

ClinVar aggregate classification (germline): Uncertain significance (1 of 4 stars; one submission).

Conditions:
Progressive myoclonic epilepsy type 3. Also called: EPILEPSY, PROGRESSIVE MYOCLONIC, 3, WITH OR WITHOUT INTRACELLULAR INCLUSIONS; CEROID LIPOFUSCINOSIS, NEURONAL, 14; KCTD7-Related Progressive Myoclonic Epilepsy; EPILEPSY, PROGRESSIVE MYOCLONIC, 3, WITHOUT INTRACELLULAR INCLUSIONS. Identifiers: Orphanet 263516, MedGen C2673257, MONDO:0012721, OMIM 611726.

Allele frequency attached by ClinVar (database versions not stated): ExAC 0.00001; gnomAD 0.00001; gnomAD exomes 0.00001; TOPMed 0.00001; 1000 Genomes Project 0.00020; 1000 Genomes Project 30x 0.00031.
gnomAD v4.1: 7 of 1,614,006 alleles (0.00043%); highest among the groups gnomAD compares: Admixed American, 0.01%; no homozygotes.

Submission:

Labcorp Genetics (formerly Invitae), Labcorp
Classification: Uncertain significance for Progressive myoclonic epilepsy type 3. Last evaluated: 2022-10-28. Review status: criteria provided, single submitter. Criteria: Invitae Variant Classification Sherloc (09022015). Collection method: clinical testing. Allele origin: germline.
Comment: This sequence change replaces isoleucine, which is neutral and non-polar, with leucine, which is neutral and non-polar, at codon 173 of the KCTD7 protein (p.Ile173Leu). This variant is present in population databases (rs200907176, gnomAD 0.009%). This variant has not been reported in the literature in individuals affected with KCTD7-related conditions. Advanced modeling of protein sequence and biophysical properties (such as structural, functional, and spatial information, amino acid conservation, physicochemical variation, residue mobility, and thermodynamic stability) performed at Invitae indicates that this missense variant is not expected to disrupt KCTD7 protein function. In summary, the available evidence is currently insufficient to determine the role of this variant in disease. Therefore, it has been classified as a Variant of Uncertain Significance.